The following is an entry in ClinVar:

ClinVar aggregate classification (germline): Uncertain significance (1 of 4 stars; one submission).

Allele frequency attached by ClinVar (database versions not stated): gnomAD exomes below 0.00001.
gnomAD v4.1: 3 of 1,613,528 alleles (0.00019%); highest among the groups gnomAD compares: Non-Finnish European, 0.00025%; no homozygotes.

Submission:

CeGaT Center for Human Genetics Tuebingen
Classification: Uncertain significance. Last evaluated: 2023-02-01. Review status: criteria provided, single submitter. Criteria: CeGaT Center For Human Genetics Tuebingen Variant Classification Criteria Version 2. Collection method: clinical testing. Allele origin: germline. Affected: yes. Observed: 1 variant allele.
Comment: GLI3: PM2, BP4

NM_000168.6(GLI3):c.3718A>G (p.Ser1240Gly)

Gene: GLI3 (GLI family zinc finger 3; minus strand). Cytogenetic location: 7p14.1.
Variant type: single nucleotide variant.
Coding change: c.3718A>G on transcript NM_000168.6 (MANE Select); coding-DNA position 3718, A replaced by G.
Protein change: p.Ser1240Gly; replaces serine 1240 with glycine.
Molecular consequence: missense variant.
Genome position (GRCh38, 1-based): chr7:41,965,355, T>C on the plus strand (A>G on the coding strand, the complement: GLI3 is on the minus strand). VCF-style: chr7-41965355-T-C. GRCh37 (hg19) VCF-style: chr7-42004953-T-C.
Other names: short protein forms S1240G.
Identifiers: ClinVar variation 2657409 (VCV002657409.24), dbSNP rs1195576395, ClinGen allele CA367317233.